The following is an entry in ClinVar:

ClinVar aggregate classification (germline): Likely benign (0 of 4 stars; one submission).

Conditions:
NCOA1-related disorder. Also called: NCOA1-related condition.

gnomAD v4.1: 4 of 1,614,100 alleles (0.00025%); highest among the groups gnomAD compares: Middle Eastern, 0.016%; no homozygotes.

Submission:

PreventionGenetics, part of Exact Sciences
Classification: Likely benign for NCOA1-related condition. Last evaluated: 2021-01-08. Review status: no assertion criteria provided. Collection method: clinical testing. Allele origin: germline.
Comment: This variant is classified as likely benign based on ACMG/AMP sequence variant interpretation guidelines (Richards et al. 2015 PMID: 25741868, with internal and published modifications).

NM_003743.5(NCOA1):c.2145A>T (p.Ala715=)

Gene: NCOA1 (nuclear receptor coactivator 1; plus strand). Cytogenetic location: 2p23.3.
Variant type: single nucleotide variant.
Coding change: c.2145A>T on transcript NM_003743.5 (MANE Select); coding-DNA position 2145, A replaced by T.
Protein change: p.Ala715=; no amino-acid change (alanine 715 retained).
Molecular consequence: synonymous variant.
Genome position (GRCh38, 1-based): chr2:24,707,615, A>T. VCF-style: chr2-24707615-A-T. GRCh37 (hg19) VCF-style: chr2-24930484-A-T.
Other names: c.2145A>T, p.Ala715= (NM_001362950.1, NM_001362952.1, NM_001362954.1 and 3 more transcripts).
Identifiers: ClinVar variation 3358799 (VCV003358799.1).